The following is an entry in ClinVar:

NM_000419.5(ITGA2B):c.1199A>G (p.Asp400Gly)

Gene: ITGA2B (integrin subunit alpha 2b; minus strand). Cytogenetic location: 17q21.31.
Variant type: single nucleotide variant.
Coding change: c.1199A>G on transcript NM_000419.5 (MANE Select); coding-DNA position 1199, A replaced by G.
Protein change: p.Asp400Gly; replaces aspartic acid 400 with glycine.
Molecular consequence: missense variant.
Genome position (GRCh38, 1-based): chr17:44,383,504, T>C on the plus strand (A>G on the coding strand, the complement: ITGA2B is on the minus strand). VCF-style: chr17-44383504-T-C. GRCh37 (hg19) VCF-style: chr17-42460872-T-C.
Other names: short protein forms D400G.
Identifiers: ClinVar variation 4749862 (VCV004749862.1).

ClinVar aggregate classification (germline): Uncertain significance (1 of 4 stars; one submission).

Conditions:
Glanzmann thrombasthenia. Also called: BLEEDING DISORDER, PLATELET-TYPE, 2; THROMBASTHENIA OF GLANZMANN AND NAEGELI; PLATELET GLYCOPROTEIN IIb-IIIa DEFICIENCY; Glanzmann's thrombasthenia; Thrombasthenia. Identifiers: Orphanet 849, MedGen C0040015, MONDO:0100326.

Submission:

Labcorp Genetics (formerly Invitae), Labcorp
Classification: Uncertain significance for Glanzmann thrombasthenia. Last evaluated: 2025-10-20. Review status: criteria provided, single submitter. Criteria: Invitae Variant Classification Sherloc (09022015). Collection method: clinical testing. Allele origin: germline.
Comment: This sequence change replaces aspartic acid, which is acidic and polar, with glycine, which is neutral and non-polar, at codon 400 of the ITGA2B protein (p.Asp400Gly). This variant is not present in population databases (gnomAD no frequency). This variant has not been reported in the literature in individuals affected with ITGA2B-related conditions. Invitae Evidence Modeling of protein sequence and biophysical properties (such as structural, functional, and spatial information, amino acid conservation, physicochemical variation, residue mobility, and thermodynamic stability) indicates that this missense variant is expected to disrupt ITGA2B protein function with a positive predictive value of 95%. In summary, the available evidence is currently insufficient to determine the role of this variant in disease. Therefore, it has been classified as a Variant of Uncertain Significance.